The following is an entry in ClinVar:

ClinVar aggregate classification (germline): Conflicting classifications of pathogenicity. Review status: criteria provided, conflicting classifications (1 of 4 stars). 2 submissions from 2 submitters: Uncertain significance (1); Likely benign (1). Last evaluated 2025-04-15.

Allele frequency attached by ClinVar (database versions not stated): TOPMed 0.00009; gnomAD exomes 0.00011 and 0.00013; gnomAD 0.00013 and 0.00014; ExAC 0.00014; ESP Exome Variant Server 0.00015.

Submissions (2):

Ambry Genetics
Classification: Uncertain significance. Last evaluated: 2025-04-15. Review status: criteria provided, single submitter. Criteria: Ambry Variant Classification Scheme 2023. Collection method: clinical testing. Allele origin: germline.

CeGaT Center for Human Genetics Tuebingen
Classification: Likely benign. Last evaluated: 2022-07-01. Review status: criteria provided, single submitter. Criteria: CeGaT Center For Human Genetics Tuebingen Variant Classification Criteria Version 2. Collection method: clinical testing. Allele origin: germline. Affected: yes. Observed: 1 variant allele.
Comment: DNAJB5: PP2, BS2

NM_001349723.3(DNAJB5):c.563G>A (p.Arg188His)

Gene: DNAJB5 (DnaJ heat shock protein family (Hsp40) member B5; plus strand). Cytogenetic location: 9p13.3.
Variant type: single nucleotide variant.
Coding change: c.563G>A on transcript NM_001349723.3 (MANE Select); coding-DNA position 563, G replaced by A.
Protein change: p.Arg188His; replaces arginine 188 with histidine.
Molecular consequence: missense variant.
Genome position (GRCh38, 1-based): chr9:34,996,400, G>A. VCF-style: chr9-34996400-G-A. GRCh37 (hg19) VCF-style: chr9-34996397-G-A.
Other names: c.449G>A, p.Arg150His (NM_001135004.3, NM_001349725.2); c.563G>A, p.Arg188His (NM_001135005.3); c.347G>A, p.Arg116His (NM_001349724.2, NM_012266.6); c.689G>A (NM_001135004.2); short protein forms R116H, R150H, R188H.
Identifiers: ClinVar variation 1701568 (VCV001701568.34), dbSNP rs200844864, ClinGen allele CA5038191.